The following is an entry in ClinVar:

ClinVar aggregate classification (germline): Uncertain significance (1 of 4 stars; one submission).

Conditions:
NRP2-related disorder. Also called: NRP2-related condition.

Submission:

PreventionGenetics, part of Exact Sciences
Classification: Uncertain significance for NRP2-related condition. Last evaluated: 2024-12-04. Review status: criteria provided, single submitter. Criteria: ACMG Guidelines, 2015. Collection method: clinical testing. Allele origin: germline.
Comment: The NRP2 c.2524_2526delTCT variant is predicted to result in an in-frame deletion (p.Ser842del). To our knowledge, this variant has not been reported in the literature. This variant is reported in 0.0098% of alleles in individuals of South Asian descent in gnomAD. At this time, the clinical significance of this variant is uncertain due to the absence of conclusive functional and genetic evidence.

NM_003872.3(NRP2):c.2503TCT[2] (p.Ser837del)

Gene: NRP2 (neuropilin 2; plus strand). Cytogenetic location: 2q33.3.
Variant type: Microsatellite.
Coding change: c.2503TCT[2] on transcript NM_003872.3 (MANE Select); two copies in a row of the 3-base unit TCT starting at c.2503; the reference has three copies in a row; one copy, 3 bases deleted.
Protein change: p.Ser837del; deletes serine 837.
Molecular consequence: inframe deletion.
Genome position (GRCh38, 1-based): chr2:205,794,786-205,794,788, TCT deleted; deleting any 3 consecutive bases within chr2:205,794,779-205,794,788 gives the same sequence; the position shown is the placement nearest the transcript's 3' end. VCF-style (leftmost placement, unchanged base first): chr2-205794778-ATTC-A. GRCh37 (hg19) VCF-style: chr2-206659502-ATTC-A.
Other names: c.2518TCT[2], p.Ser842del (NM_201266.2); c.2452TCT[2], p.Ser820del (NM_201279.2); short protein forms S837del, S820del, S842del.
Identifiers: ClinVar variation 4985096 (VCV004985096.1).